The following is an entry in ClinVar:

NM_020987.5(ANK3):c.10679G>A (p.Arg3560Gln)

Gene: ANK3 (ankyrin 3; minus strand). Cytogenetic location: 10q21.2.
Variant type: single nucleotide variant.
Coding change: c.10679G>A on transcript NM_020987.5 (MANE Select); coding-DNA position 10679, G replaced by A.
Protein change: p.Arg3560Gln; replaces arginine 3560 with glutamine.
Molecular consequence: missense variant. On other transcripts: intron variant (4).
Genome position (GRCh38, 1-based): chr10:60,070,202, C>T on the plus strand (G>A on the coding strand, the complement: ANK3 is on the minus strand). VCF-style: chr10-60070202-C-T. GRCh37 (hg19) VCF-style: chr10-61829960-C-T.
Other names: c.4388-2193G>A (NM_001204403.2); c.4409-2193G>A (NM_001204404.2); c.4406-2193G>A (NM_001320874.2); c.1808-2193G>A (NM_001149.4); short protein forms R3560Q.
Identifiers: ClinVar variation 389645 (VCV000389645.2), dbSNP rs756241696, ClinGen allele CA5511214.

ClinVar aggregate classification (germline): Uncertain significance (1 of 4 stars; one submission).

Allele frequency attached by ClinVar (database versions not stated): ExAC 0.00001; gnomAD exomes 0.00001 and 0.00002; TOPMed 0.00001.
gnomAD v4.1: 18 of 1,614,106 alleles (0.0011%); highest among the groups gnomAD compares: East Asian, 0.0022%; no homozygotes.

Submission:

GeneDx
Classification: Uncertain significance. Last evaluated: 2016-10-09. Review status: criteria provided, single submitter. Criteria: GeneDx Variant Classification (06012015). Collection method: clinical testing. Allele origin: germline. Affected: yes.
Comment: The R3560Q variant in the ANK3 gene has not been reported previously as a pathogenic variant, nor as a benign variant, to our knowledge. The R3560Q variant was not observed in approximately 6500 individuals of European and African American ancestry in the NHLBI Exome Sequencing Project, indicating it is not a common benign variant in these populations. The R3560Q variant is a semi-conservative amino acid substitution, which may impact secondary protein structure as these residues differ in some properties. This substitution occurs at a position where amino acids with similar properties to Arginine are tolerated across species. In silico analysis is inconsistent in its predictions as to whether or not the variant is damaging to the protein structure/function. We interpret R3560Q as a variant of uncertain significance.